The following is an entry in ClinVar:

NC_000022.10:g.(?_50293876)_(50301593_50302891)del

Gene: ALG12 (ALG12 alpha-1,6-mannosyltransferase; minus strand). Cytogenetic location: 22q13.33.
Variant type: Deletion.
Identifiers: ClinVar variation 4852992 (VCV004852992.1).

ClinVar aggregate classification (germline): Uncertain significance (1 of 4 stars; one submission).

Submission:

Women's Health and Genetics/Laboratory Corporation of America, LabCorp
Classification: Uncertain significance. Last evaluated: 2026-05-18. Review status: criteria provided, single submitter. Criteria: LabCorp Variant Classification Summary - May 2015. Collection method: clinical testing. Allele origin: germline.
Comment: Variant summary: The variant involves the deletion of exons 7-10 in the ALG12 gene. A presumed nomenclature of c.(768+1_769-1)_(*3610_?)del has been designated for the purposes of this classification. The exact breakpoint at the distal 3' end of this variant is unknown, therefore this deletion may extend downstream of the annotated region of the gene. As it encompasses the termination codon, it is predicted to escape nonsense mediated decay (NMD). Loss-of-function variants in this gene are known to be pathogenic. The variant was absent in 21332 control chromosomes. The available data on variant occurrences in the general population are insufficient to allow any conclusion about variant significance. To our knowledge, no occurrence of c.(768+1_769-1)_(*3610_?)del in individuals affected with ALG12-related conditions and no experimental evidence demonstrating its impact on protein function have been reported. ClinVar contains an entry for this variant (Variation ID: 1450046). Based on the evidence outlined above, the variant was classified as uncertain significance.